The following is an entry in ClinVar:

NM_001844.5(COL2A1):c.160A>T (p.Ile54Phe)

Gene: COL2A1 (collagen type II alpha 1 chain; minus strand). Cytogenetic location: 12q13.11.
Variant type: single nucleotide variant.
Coding change: c.160A>T on transcript NM_001844.5 (MANE Select); coding-DNA position 160, A replaced by T.
Protein change: p.Ile54Phe; replaces isoleucine 54 with phenylalanine.
Molecular consequence: missense variant. On other transcripts: intron variant (1).
Genome position (GRCh38, 1-based): chr12:48,000,051, T>A on the plus strand (A>T on the coding strand, the complement: COL2A1 is on the minus strand). VCF-style: chr12-48000051-T-A. GRCh37 (hg19) VCF-style: chr12-48393834-T-A.
Other names: c.86-1620A>T (NM_033150.3); short protein forms I54F.
Identifiers: ClinVar variation 1693061 (VCV001693061.2), dbSNP rs1940157670, ClinGen allele CA384526447.

ClinVar aggregate classification (germline): Uncertain significance (1 of 4 stars; one submission).

Submission:

GeneDx
Classification: Uncertain significance. Last evaluated: 2021-12-22. Review status: criteria provided, single submitter. Criteria: GeneDx Variant Classification Process June 2021. Collection method: clinical testing. Allele origin: germline. Affected: yes.
Comment: Has not been previously published as pathogenic or benign to our knowledge; Not observed at significant frequency in large population cohorts (gnomAD); In silico analysis supports that this missense variant does not alter protein structure/function; Not located in the triple helical region, where the majority of pathogenic missense variants occur (HGMD); This variant is associated with the following publications: (PMID: 24077912)